The following is an entry in ClinVar:

ClinVar aggregate classification (germline): Likely benign (0 of 4 stars; one submission).

Conditions:
CYP3A5-related disorder. Also called: CYP3A5-related condition.

Allele frequency attached by ClinVar (database versions not stated): gnomAD exomes below 0.00001; gnomAD 0.00001; TOPMed 0.00001; ExAC 0.00001.

Submission:

PreventionGenetics, part of Exact Sciences
Classification: Likely benign for CYP3A5-related condition. Last evaluated: 2020-01-24. Review status: no assertion criteria provided. Collection method: clinical testing. Allele origin: germline.
Comment: This variant is classified as likely benign based on ACMG/AMP sequence variant interpretation guidelines (Richards et al. 2015 PMID: 25741868, with internal and published modifications).

NM_000777.5(CYP3A5):c.692_693del (p.Pro231fs)

Genes: ZSCAN25 (zinc finger and SCAN domain containing 25; plus strand), CYP3A5 (cytochrome P450 family 3 subfamily A member 5; minus strand). Cytogenetic location: 7q22.1.
Variant type: Deletion.
Coding change: c.692_693del on transcript NM_000777.5 (MANE Select); coding-DNA positions 692 to 693, 2 bases deleted (CA; older notation c.692_693delCA).
Protein change: p.Pro231fs; shifts the reading frame from proline 231.
Molecular consequence: frameshift variant. On other transcripts: non-coding transcript variant (1), intron variant (2).
Genome position (GRCh38, 1-based): chr7:99,664,073-99,664,074, TG deleted on the plus strand (CA on the coding strand, the reverse complement: CYP3A5 is on the minus strand). VCF-style (leftmost placement, unchanged base first): chr7-99664072-CTG-C. GRCh37 (hg19) VCF-style: chr7-99261695-CTG-C.
Other names: c.353_354del, p.Pro118fs (NM_001291829.2); c.662_663del, p.Pro221fs (NM_001291830.2); c.806-5022_806-5021del (NM_001350985.2, NM_001350984.2); short protein forms P118fs, P221fs, P231fs.
Identifiers: ClinVar variation 3051135 (VCV003051135.2), dbSNP rs772471367, ClinGen allele CA4368553.